The following is an entry in ClinVar:

ClinVar aggregate classification (germline): Uncertain significance. Review status: criteria provided, multiple submitters, no conflicts (2 of 4 stars). 2 submissions from 2 submitters: Uncertain significance (2). Last evaluated 2024-03-26.

Conditions:
Intellectual developmental disorder, autosomal recessive 37. Also called: Intellectual disability-hypotonia-spasticity-sleep disorder syndrome. Identifiers: Orphanet 356996, MedGen C3809672, MONDO:0014210, OMIM 615493.

Allele frequency attached by ClinVar (database versions not stated): gnomAD exomes 0.00014 and 0.00006; gnomAD 0.00040 and 0.00037; ExAC 0.00014; TOPMed 0.00044; 1000 Genomes Project 0.00080; ESP Exome Variant Server 0.00069; 1000 Genomes Project 30x 0.00078.
gnomAD v4.1: 148 of 1,614,172 alleles (0.0092%); highest among the groups gnomAD compares: African/African-American, 0.14%; no homozygotes.

Submissions (3):

Fulgent Genetics
Classification: Uncertain significance for Intellectual developmental disorder, autosomal recessive 37. Last evaluated: 2024-03-26. Review status: criteria provided, single submitter. Criteria: ACMG Guidelines, 2015. Collection method: clinical testing. Allele origin: germline.

Labcorp Genetics (formerly Invitae), Labcorp
Classification: Uncertain significance. Last evaluated: 2023-10-06. Review status: criteria provided, single submitter. Criteria: Invitae Variant Classification Sherloc (09022015). Collection method: clinical testing. Allele origin: germline.
Comment: This sequence change replaces alanine, which is neutral and non-polar, with valine, which is neutral and non-polar, at codon 1630 of the ANK3 protein (p.Ala1630Val). This variant is present in population databases (rs141587421, gnomAD 0.1%). This variant has not been reported in the literature in individuals affected with ANK3-related conditions. ClinVar contains an entry for this variant (Variation ID: 1495076). Advanced modeling of protein sequence and biophysical properties (such as structural, functional, and spatial information, amino acid conservation, physicochemical variation, residue mobility, and thermodynamic stability) performed at Invitae indicates that this missense variant is not expected to disrupt ANK3 protein function. In summary, the available evidence is currently insufficient to determine the role of this variant in disease. Therefore, it has been classified as a Variant of Uncertain Significance.

Dr. Peter K. Rogan Lab, Western University
No classification provided (evidence only). Condition: Sarcoma. Review status: no classification provided. Collection method: in vitro. Allele origin: not applicable. Functional consequence: retained intron. Not counted in ClinVar's aggregate classification.

NM_020987.5(ANK3):c.4889C>T (p.Ala1630Val)

Gene: ANK3 (ankyrin 3; minus strand). Cytogenetic location: 10q21.2.
Variant type: single nucleotide variant.
Coding change: c.4889C>T on transcript NM_020987.5 (MANE Select); coding-DNA position 4889, C replaced by T.
Protein change: p.Ala1630Val; replaces alanine 1630 with valine.
Molecular consequence: missense variant. On other transcripts: intron variant (4).
Genome position (GRCh38, 1-based): chr10:60,075,992, G>A on the plus strand (C>T on the coding strand, the complement: ANK3 is on the minus strand). VCF-style: chr10-60075992-G-A. GRCh37 (hg19) VCF-style: chr10-61835750-G-A.
Other names: c.4387+4545C>T (NM_001204403.2); c.4408+4545C>T (NM_001204404.2); c.4405+4545C>T (NM_001320874.2); c.1807+4545C>T (NM_001149.4); short protein forms A1630V.
Identifiers: ClinVar variation 1495076 (VCV001495076.7), dbSNP rs141587421, ClinGen allele CA5512093.